The following is an entry in ClinVar:

ClinVar aggregate classification (germline): Uncertain significance (1 of 4 stars; one submission).

gnomAD v4.1: 2 of 1,614,026 alleles (0.00012%); highest among the groups gnomAD compares: Non-Finnish European, 0.00017%; no homozygotes.

Submission:

Mayo Clinic Laboratories, Mayo Clinic
Classification: Uncertain significance. Last evaluated: 2025-10-08. Review status: criteria provided, single submitter. Criteria: ACMG Guidelines, 2015. Collection method: clinical testing. Allele origin: germline. Observed: 1 variant allele.
Comment: PP3, PM2_supporting

NM_000088.4(COL1A1):c.3140C>T (p.Ala1047Val)

Gene: COL1A1 (collagen type I alpha 1 chain; minus strand). Cytogenetic location: 17q21.33.
Variant type: single nucleotide variant.
Coding change: c.3140C>T on transcript NM_000088.4 (MANE Select); coding-DNA position 3140, C replaced by T.
Protein change: p.Ala1047Val; replaces alanine 1047 with valine.
Molecular consequence: missense variant.
Genome position (GRCh38, 1-based): chr17:50,188,597, G>A on the plus strand (C>T on the coding strand, the complement: COL1A1 is on the minus strand). VCF-style: chr17-50188597-G-A. GRCh37 (hg19) VCF-style: chr17-48265958-G-A.
Other names: p.Ala1047Val; short protein forms A1047V.
Identifiers: ClinVar variation 4542193 (VCV004542193.1).